The following is an entry in ClinVar:

NM_006516.4(SLC2A1):c.697G>A (p.Gly233Arg)

Gene: SLC2A1 (solute carrier family 2 member 1; minus strand). Cytogenetic location: 1p34.2.
Variant type: single nucleotide variant.
Coding change: c.697G>A on transcript NM_006516.4 (MANE Select); coding-DNA position 697, G replaced by A.
Protein change: p.Gly233Arg; replaces glycine 233 with arginine.
Molecular consequence: missense variant.
Genome position (GRCh38, 1-based): chr1:42,929,763, C>T on the plus strand (G>A on the coding strand, the complement: SLC2A1 is on the minus strand). VCF-style: chr1-42929763-C-T. GRCh37 (hg19) VCF-style: chr1-43395434-C-T.
Other names: short protein forms G233R.
Identifiers: ClinVar variation 471348 (VCV000471348.13), dbSNP rs375853334, ClinGen allele CA803463.

ClinVar aggregate classification (germline): Uncertain significance. Review status: criteria provided, multiple submitters, no conflicts (2 of 4 stars). 8 submissions from 4 submitters: Uncertain significance (8). Last evaluated 2024-01-02.

Conditions:
Encephalopathy due to GLUT1 deficiency. Also called: GLUT1 deficiency syndrome 1, infantile onset, severe; Classic Glucose Transporter Type 1 Deficiency Syndrome; GLUT1 deficiency syndrome 1; GLUCOSE TRANSPORT DEFECT, BLOOD-BRAIN BARRIER; Glucose transporter protein syndrome; De Vivo disease. Identifiers: Orphanet 71277, MedGen C4551966, MONDO:0011724, OMIM 606777.
GLUT1 deficiency syndrome 1, autosomal recessive. Identifiers: MedGen C3149117.
Hereditary cryohydrocytosis with reduced stomatin. Also called: Stomatin-deficient cryohydrocytosis with neurologic defects; GLUT1 DEFICIENCY SYNDROME WITH PSEUDOHYPERKALEMIA AND HEMOLYSIS. Identifiers: Orphanet 168577, MedGen C1837206, MONDO:0012143, OMIM 608885.
Childhood onset GLUT1 deficiency syndrome 2. Also called: PAROXYSMAL EXERCISE-INDUCED DYSKINESIA WITH OR WITHOUT EPILEPSY AND/OR HEMOLYTIC ANEMIA; PAROXYSMAL EXERTION-INDUCED DYSTONIA WITH OR WITHOUT EPILEPSY AND/OR HEMOLYTIC ANEMIA; PED WITH OR WITHOUT EPILEPSY AND/OR HEMOLYTIC ANEMIA; Paroxysmal exercise-induced dystonia; PxMD-SLC2A1; GLUT1 deficiency syndrome 2. Identifiers: Orphanet 98811, MedGen C1842534, MONDO:0012805, OMIM 612126.
Epilepsy, idiopathic generalized, susceptibility to, 12 (EIG12). Identifiers: MedGen C3553859, MONDO:0013919, OMIM 614847.
Dystonia 9 (DYT9). Also called: CHOREOATHETOSIS, KINESIGENIC, WITH EPISODIC ATAXIA AND SPASTICITY. Identifiers: Orphanet 53583, MedGen C1832855, MONDO:0010983, OMIM 601042.

Allele frequency attached by ClinVar (database versions not stated): gnomAD 0.00001; gnomAD exomes 0.00001 and 0.00002; TOPMed 0.00002; ExAC 0.00003; ESP Exome Variant Server 0.00008.
gnomAD v4.1: 22 of 1,614,026 alleles (0.0014%); highest among the groups gnomAD compares: Non-Finnish European, 0.0014%; no homozygotes.

Submissions (8):

Labcorp Genetics (formerly Invitae), Labcorp
Classification: Uncertain significance for GLUT1 deficiency syndrome 1, autosomal recessive. Last evaluated: 2024-01-02. Review status: criteria provided, single submitter. Criteria: Invitae Variant Classification Sherloc (09022015). Collection method: clinical testing. Allele origin: germline.
Comment: This sequence change replaces glycine, which is neutral and non-polar, with arginine, which is basic and polar, at codon 233 of the SLC2A1 protein (p.Gly233Arg). This variant is present in population databases (rs375853334, gnomAD 0.004%). This variant has not been reported in the literature in individuals affected with SLC2A1-related conditions. ClinVar contains an entry for this variant (Variation ID: 471348). Advanced modeling performed at Invitae incorporating data from internal and/or published experimental studies (Invitae) indicates that this missense variant is expected to disrupt SLC2A1 function with a positive predictive value of 95%. In summary, the available evidence is currently insufficient to determine the role of this variant in disease. Therefore, it has been classified as a Variant of Uncertain Significance.

Blueprint Genetics
Classification: Uncertain significance. Last evaluated: 2023-06-02. Review status: criteria provided, single submitter. Criteria: ACMG Guidelines, 2015. Collection method: clinical testing. Allele origin: germline.

Genome-Nilou Lab
Classification: Uncertain significance for Epilepsy, idiopathic generalized, susceptibility to, 12. Last evaluated: 2023-04-11. Review status: criteria provided, single submitter. Criteria: ACMG Guidelines, 2015. Collection method: clinical testing. Allele origin: germline. Affected: no.

Genome-Nilou Lab
Classification: Uncertain significance for Dystonia 9. Last evaluated: 2023-04-11. Review status: criteria provided, single submitter. Criteria: ACMG Guidelines, 2015. Collection method: clinical testing. Allele origin: germline. Affected: no.

Genome-Nilou Lab
Classification: Uncertain significance for Encephalopathy due to GLUT1 deficiency. Last evaluated: 2023-04-11. Review status: criteria provided, single submitter. Criteria: ACMG Guidelines, 2015. Collection method: clinical testing. Allele origin: germline. Affected: no.

Genome-Nilou Lab
Classification: Uncertain significance for Childhood onset GLUT1 deficiency syndrome 2. Last evaluated: 2023-04-11. Review status: criteria provided, single submitter. Criteria: ACMG Guidelines, 2015. Collection method: clinical testing. Allele origin: germline. Affected: no.

Genome-Nilou Lab
Classification: Uncertain significance for Hereditary cryohydrocytosis with reduced stomatin. Last evaluated: 2023-04-11. Review status: criteria provided, single submitter. Criteria: ACMG Guidelines, 2015. Collection method: clinical testing. Allele origin: germline. Affected: no.

Fulgent Genetics
Classification: Uncertain significance for Dystonia 9; Encephalopathy due to GLUT1 deficiency; Hereditary cryohydrocytosis with reduced stomatin; Childhood onset GLUT1 deficiency syndrome 2; Epilepsy, idiopathic generalized, susceptibility to, 12. Last evaluated: 2022-01-21. Review status: criteria provided, single submitter. Criteria: ACMG Guidelines, 2015. Collection method: clinical testing. Allele origin: unknown.